The following is an entry in ClinVar:

ClinVar aggregate classification (germline): Uncertain significance. Review status: criteria provided, multiple submitters, no conflicts (2 of 4 stars). 4 submissions from 3 submitters: Uncertain significance (4). Last evaluated 2026-05-27.

Conditions:
Seizures-scoliosis-macrocephaly syndrome. Also called: SEIZURES, SCOLIOSIS, AND MACROCEPHALY/MICROCEPHALY SYNDROME; Seizures, scoliosis, and macrocephaly syndrome. Identifiers: Orphanet 466926, MedGen C4225248, MONDO:0014731, OMIM 616682.
Inborn genetic diseases. Identifiers: MedGen C0950123, MeSH D030342.
Exostoses, multiple, type 2 (EXT2). Also called: Hereditary Multiple Osteochondromatosis, Type II; EXOSTOSES, MULTIPLE, TYPE II. Identifiers: Orphanet 321, MedGen C1851413, MONDO:0007586, OMIM 133701.

Submissions (4):

Ambry Genetics
Classification: Uncertain significance for Inborn genetic diseases. Last evaluated: 2026-05-27. Review status: criteria provided, single submitter. Criteria: Ambry Variant Classification Scheme 2023. Collection method: clinical testing. Allele origin: germline.

MGZ Medical Genetics Center
Classification: Uncertain significance for Exostoses, multiple, type 2. Last evaluated: 2022-07-21. Review status: criteria provided, single submitter. Criteria: ACMG Guidelines, 2015. Collection method: clinical testing. Allele origin: germline. Affected: yes. Observed: 1 variant allele.
Comment: ACMG criteria applied: PM2_SUP, PP3, PP4

Genomic Research Center, Shahid Beheshti University of Medical Sciences
Classification: Uncertain significance for Multiple exostoses type 2. Last evaluated: 2019-04-27. Review status: criteria provided, single submitter. Criteria: ACMG Guidelines, 2015. Collection method: clinical testing. Allele origin: unknown. Affected: yes.

Genomic Research Center, Shahid Beheshti University of Medical Sciences
Classification: Uncertain significance for Seizures, scoliosis, and macrocephaly syndrome. Last evaluated: 2019-04-27. Review status: criteria provided, single submitter. Criteria: ACMG Guidelines, 2015. Collection method: clinical testing. Allele origin: unknown. Affected: yes.

NM_207122.2(EXT2):c.571A>G (p.Met191Val)

Gene: EXT2 (exostosin glycosyltransferase 2; plus strand). Cytogenetic location: 11p11.2.
Variant type: single nucleotide variant.
Coding change: c.571A>G on transcript NM_207122.2 (MANE Select); coding-DNA position 571, A replaced by G.
Protein change: p.Met191Val; replaces methionine 191 with valine.
Molecular consequence: missense variant.
Genome position (GRCh38, 1-based): chr11:44,109,228, A>G. VCF-style: chr11-44109228-A-G. GRCh37 (hg19) VCF-style: chr11-44130778-A-G.
Other names: c.670A>G, p.Met224Val (NM_000401.3); c.571A>G, p.Met191Val (NM_001178083.3, NM_001389628.1, NM_001389630.1); short protein forms M191V, M224V.
Identifiers: ClinVar variation 638379 (VCV000638379.6), dbSNP rs1324170921, ClinGen allele CA380180708.